The following is an entry in ClinVar:

ClinVar aggregate classification (germline): Pathogenic. Review status: reviewed by expert panel (3 of 4 stars). 5 submissions from 5 submitters: Pathogenic (1). 4 of the submissions do not count toward it. Last evaluated 2019-06-18.

Conditions:
Hereditary cancer-predisposing syndrome. Also called: Tumor predisposition; Hereditary neoplastic syndrome; Hereditary Cancer Syndrome; Neoplastic Syndromes, Hereditary. Identifiers: Orphanet 140162, MedGen C0027672, MeSH D009386, MONDO:0015356.
Hereditary breast ovarian cancer syndrome. Also called: Hereditary breast and/or ovarian cancer syndrome; Breast and ovarian cancer; Hereditary breast and ovarian cancer syndrome; Hereditary breast and ovarian cancer; Hereditary breast and ovarian cancer syndrome (HBOC); BRCA1- and BRCA2-Associated Hereditary Breast and Ovarian Cancer. Identifiers: Orphanet 145, MedGen C0677776, MeSH D061325, MONDO:0003582. Disease mechanism: loss of function.
Breast-ovarian cancer, familial, susceptibility to, 1 (BROVCA1). Also called: BRCA1 Hereditary Breast and Ovarian Cancer; OVARIAN CANCER, SUSCEPTIBILITY TO. Identifiers: Orphanet 145, MedGen C2676676, MONDO:0011450, OMIM 604370. Disease mechanism: loss of function.

Submissions (5):

Evidence-based Network for the Interpretation of Germline Mutant Alleles (ENIGMA)
Classification: Pathogenic for Breast-ovarian cancer, familial, susceptibility to, 1. Last evaluated: 2019-06-18. Review status: reviewed by expert panel. Criteria: ENIGMA BRCA1/2 Classification Criteria (2017-06-29). Collection method: curation. Allele origin: germline.
Comment: IARC class based on posterior probability from multifactorial likelihood analysis, thresholds for class as per Plon et al. 2008 (PMID: 18951446). Class 5 based on posterior probability = 0.992883

Ambry Genetics
Classification: Likely pathogenic for Hereditary cancer-predisposing syndrome. Last evaluated: 2025-08-27. Review status: criteria provided, single submitter. Criteria: Ambry Variant Classification Scheme 2023. Collection method: clinical testing. Allele origin: germline. Not counted in ClinVar's aggregate classification.
Comment: The c.4675+3A>T intronic variant results from an A to T substitution 3 nucleotides after coding exon 13 in the BRCA1 gene. This nucleotide position is highly conserved in available vertebrate species. In silico splice site analysis predicts that this alteration will weaken the native splice donor site and will result in the creation or strengthening of a novel splice donor site. RNA studies have demonstrated that this alteration results in abnormal splicing in the set of samples tested (Ambry internal data; Baert A et al. Hum Mutat, 2018 Apr;39:515-526). This alteration was also classified as pathogenic in a multifactorial model of variant interpretation that incorporates co-segregation, family history, co-occurrence, tumor pathology and case-control data (Parsons MT et al. Hum Mutat, 2019 Sep;40:1557-1578). Based on the majority of available evidence to date, this variant is likely to be pathogenic.

Color Diagnostics, LLC DBA Color Health
Classification: Likely pathogenic for Hereditary cancer-predisposing syndrome. Last evaluated: 2025-05-20. Review status: criteria provided, single submitter. Criteria: ACMG Guidelines, 2015. Collection method: clinical testing. Allele origin: germline. Not counted in ClinVar's aggregate classification.
Comment: This variant causes an A>T nucleotide substitution at the +3 position of intron 14 of the BRCA1 gene. This variant is also known as IVS15+3A>T by Breast Cancer Information Core (BIC) nomenclature. Splice site prediction tools predict that this variant may have a significant impact on RNA splicing. A RNA study in cells from a carrier individual has shown that this variant causes complex aberrant splicing events, with a majority of variant allele transcripts being out-of-frame (PMID: 29280214). A multifactorial analysis reported likelihood ratios (LR) reaching a combined LR = 4.315 based on family history and co-occurrence with a pathogenic variant (PMID: 31131967). This variant has not been identified in the general population by the Genome Aggregation Database (gnomAD). Loss of BRCA1 function is a known mechanism of disease. Based on the available evidence, this variant is classified as Likely Pathogenic.

Research Molecular Genetics Laboratory, Women's College Hospital, University of Toronto
Classification: Pathogenic for Hereditary breast ovarian cancer syndrome. Last evaluated: 2014-01-31. Review status: no assertion criteria provided. Collection method: research. Allele origin: germline. Affected: yes. Study: The Canadian Open Genetics Repository (COGR). Not counted in ClinVar's aggregate classification.

Breast Cancer Information Core (BIC) (BRCA1)
Classification: Pathogenic for Breast-ovarian cancer, familial 1. Last evaluated: 2004-11-25. Review status: no assertion criteria provided. Collection method: clinical testing. Allele origin: germline. Affected: yes. Observed: 1 variant allele. Not counted in ClinVar's aggregate classification.

Literature cited by the submitters: PubMed 31131967 (cited by 3 submitters); PubMed 29280214 (cited by Ambry Genetics and Color Diagnostics, LLC DBA Color Health).

NM_007294.4(BRCA1):c.4675+3A>T

Gene: BRCA1 (BRCA1 DNA repair associated; minus strand). Cytogenetic location: 17q21.31.
Variant type: single nucleotide variant.
Coding change: c.4675+3A>T on transcript NM_007294.4 (MANE Select); 3 bases into the intron after coding-DNA position 4675, A replaced by T.
Molecular consequence: intron variant.
Genome position (GRCh38, 1-based): chr17:43,074,328, T>A on the plus strand (A>T on the coding strand, the complement: BRCA1 is on the minus strand). VCF-style: chr17-43074328-T-A. GRCh37 (hg19) VCF-style: chr17-41226345-T-A.
Other names: IVS15+3A>T; c.4534+3A>T (NM_007297.4, NM_001407731.1, NM_001407695.1 and 13 more transcripts); c.1162+3A>T (NM_001408475.1, NM_001408476.1); c.4468+3A>T (NM_001407875.1, NM_001407874.1); c.4591+3A>T (NM_001407659.1, NM_001407662.1, NM_001407660.1 and 2 more transcripts); c.1285+3A>T (NM_001408412.1, NM_001408413.1, NM_001408416.1 and 2 more transcripts); c.4594+3A>T (NM_001407656.1, NM_001407657.1, NM_001407658.1); c.4597+3A>T (NM_001407654.1, NM_001407653.1, NM_001407655.1); and 72 more.
Identifiers: ClinVar variation 125722 (VCV000125722.12), dbSNP rs80358082, ClinGen allele CA002961.